The following is an entry in ClinVar:

NM_004958.4(MTOR):c.6700T>G (p.Ser2234Ala)

Gene: MTOR (mechanistic target of rapamycin kinase; minus strand). Cytogenetic location: 1p36.22.
Variant type: single nucleotide variant.
Coding change: c.6700T>G on transcript NM_004958.4 (MANE Select); coding-DNA position 6700, T replaced by G.
Protein change: p.Ser2234Ala; replaces serine 2234 with alanine.
Molecular consequence: missense variant.
Genome position (GRCh38, 1-based): chr1:11,122,089, A>C on the plus strand (T>G on the coding strand, the complement: MTOR is on the minus strand). VCF-style: chr1-11122089-A-C. GRCh37 (hg19) VCF-style: chr1-11182146-A-C.
Other names: c.6700T>G, p.Ser2234Ala (NM_001386500.1); c.5452T>G, p.Ser1818Ala (NM_001386501.1); short protein forms S1818A, S2234A.
Identifiers: ClinVar variation 4528108 (VCV004528108.2).

ClinVar aggregate classification (germline): Uncertain significance. Review status: criteria provided, multiple submitters, no conflicts (2 of 4 stars). 2 submissions from 2 submitters: Uncertain significance (2). Last evaluated 2025-05-04.

Conditions:
MTOR-related disorder. Also called: MTOR-related condition.

Submissions (2):

GeneDx
Classification: Uncertain significance. Last evaluated: 2025-05-04. Review status: criteria provided, single submitter. Criteria: GeneDx Variant Classification Process June 2021. Collection method: clinical testing. Allele origin: germline. Affected: yes.
Comment: Not observed at significant frequency in large population cohorts (gnomAD); In silico analysis supports that this missense variant has a deleterious effect on protein structure/function; Has not been previously published as pathogenic or benign to our knowledge

PreventionGenetics, part of Exact Sciences
Classification: Uncertain significance for MTOR-related condition. Last evaluated: 2024-12-05. Review status: criteria provided, single submitter. Criteria: ACMG Guidelines, 2015. Collection method: clinical testing. Allele origin: germline.
Comment: The MTOR c.6700T>G variant is predicted to result in the amino acid substitution p.Ser2234Ala. To our knowledge, this variant has not been reported in the literature or in a large population database (gnomAD), indicating this variant is rare. At this time, the clinical significance of this variant is uncertain due to the absence of conclusive functional and genetic evidence.